The following is an entry in ClinVar:

ClinVar aggregate classification (germline): Uncertain significance (1 of 4 stars; one submission).

Conditions:
Hereditary cancer-predisposing syndrome. Also called: Tumor predisposition; Hereditary Cancer Syndrome; Hereditary neoplastic syndrome; Neoplastic Syndromes, Hereditary. Identifiers: Orphanet 140162, MedGen C0027672, MeSH D009386, MONDO:0015356.

Submission:

Ambry Genetics
Classification: Uncertain significance for Hereditary cancer-predisposing syndrome. Last evaluated: 2025-12-05. Review status: criteria provided, single submitter. Criteria: Ambry Variant Classification Scheme 2023. Collection method: clinical testing. Allele origin: germline.
Comment: The p.D1257G variant (also known as c.3770A>G), located in coding exon 25 of the SMARCA4 gene, results from an A to G substitution at nucleotide position 3770. The aspartic acid at codon 1257 is replaced by glycine, an amino acid with similar properties. This amino acid position is well conserved in available vertebrate species. In addition, this alteration is predicted to be deleterious by in silico analysis. Based on the available evidence, the clinical significance of this variant remains unclear.

NM_003072.5(SMARCA4):c.3770A>G (p.Asp1257Gly)

Gene: SMARCA4 (SWI/SNF related BAF chromatin remodeling complex subunit ATPase 4; plus strand). Cytogenetic location: 19p13.2.
Variant type: single nucleotide variant.
Coding change: c.3770A>G on transcript NM_003072.5 (MANE Select); coding-DNA position 3770, A replaced by G.
Protein change: p.Asp1257Gly; replaces aspartic acid 1257 with glycine.
Molecular consequence: missense variant. On other transcripts: non-coding transcript variant (1).
Genome position (GRCh38, 1-based): chr19:11,033,513, A>G. VCF-style: chr19-11033513-A-G. GRCh37 (hg19) VCF-style: chr19-11144189-A-G.
Other names: c.3770A>G, p.Asp1257Gly (NM_001128844.3, NM_001128845.2, NM_001128846.2 and 6 more transcripts); short protein forms D1257G.
Identifiers: ClinVar variation 4549825 (VCV004549825.1).